The following is an entry in ClinVar:

NM_000701.8(ATP1A1):c.1625A>G (p.Tyr542Cys)

Genes: ATP1A1 (ATPase Na+/K+ transporting subunit alpha 1; plus strand), ATP1A1-AS1 (ATP1A1 antisense RNA 1; minus strand). Cytogenetic location: 1p13.1.
Variant type: single nucleotide variant.
Coding change: c.1625A>G on transcript NM_000701.8 (MANE Select); coding-DNA position 1625, A replaced by G.
Protein change: p.Tyr542Cys; replaces tyrosine 542 with cysteine.
Molecular consequence: missense variant.
Genome position (GRCh38, 1-based): chr1:116,393,688, A>G. VCF-style: chr1-116393688-A-G. GRCh37 (hg19) VCF-style: chr1-116936310-A-G.
Other names: c.1625A>G, p.Tyr542Cys (NM_001160233.2); c.1532A>G, p.Tyr511Cys (NM_001160234.2); c.1625A>G (NM_001160233.1); short protein forms Y511C, Y542C.
Identifiers: ClinVar variation 1934147 (VCV001934147.6), dbSNP rs554306933, ClinGen allele CA1025357.

ClinVar aggregate classification (germline): Uncertain significance. Review status: criteria provided, multiple submitters, no conflicts (2 of 4 stars). 2 submissions from 2 submitters: Uncertain significance (2). Last evaluated 2025-08-27.

Conditions:
Inborn genetic diseases. Identifiers: MedGen C0950123, MeSH D030342.

Allele frequency attached by ClinVar (database versions not stated): gnomAD exomes below 0.00001; ExAC 0.00001; gnomAD 0.00001; 1000 Genomes Project 30x 0.00016; 1000 Genomes Project 0.00020.
gnomAD v4.1: 7 of 1,613,914 alleles (0.00043%); highest among the groups gnomAD compares: East Asian, 0.0022%; no homozygotes.

Submissions (2):

Ambry Genetics
Classification: Uncertain significance for Inborn genetic diseases. Last evaluated: 2025-08-27. Review status: criteria provided, single submitter. Criteria: Ambry Variant Classification Scheme 2023. Collection method: clinical testing. Allele origin: germline.

Labcorp Genetics (formerly Invitae), Labcorp
Classification: Uncertain significance. Last evaluated: 2024-04-29. Review status: criteria provided, single submitter. Criteria: Invitae Variant Classification Sherloc (09022015). Collection method: clinical testing. Allele origin: germline.
Comment: This sequence change replaces tyrosine, which is neutral and polar, with cysteine, which is neutral and slightly polar, at codon 542 of the ATP1A1 protein (p.Tyr542Cys). This variant is present in population databases (rs554306933, gnomAD 0.005%). This variant has not been reported in the literature in individuals affected with ATP1A1-related conditions. ClinVar contains an entry for this variant (Variation ID: 1934147). Advanced modeling of protein sequence and biophysical properties (such as structural, functional, and spatial information, amino acid conservation, physicochemical variation, residue mobility, and thermodynamic stability) performed at Invitae indicates that this missense variant is not expected to disrupt ATP1A1 protein function with a negative predictive value of 80%. In summary, the available evidence is currently insufficient to determine the role of this variant in disease. Therefore, it has been classified as a Variant of Uncertain Significance.